The following is an entry in ClinVar:

NM_030665.4(RAI1):c.2051C>T (p.Pro684Leu)

Gene: RAI1 (retinoic acid induced 1; plus strand). Cytogenetic location: 17p11.2.
Variant type: single nucleotide variant.
Coding change: c.2051C>T on transcript NM_030665.4 (MANE Select); coding-DNA position 2051, C replaced by T.
Protein change: p.Pro684Leu; replaces proline 684 with leucine.
Molecular consequence: missense variant.
Genome position (GRCh38, 1-based): chr17:17,794,999, C>T. VCF-style: chr17-17794999-C-T. GRCh37 (hg19) VCF-style: chr17-17698313-C-T.
Other names: short protein forms P684L.
Identifiers: ClinVar variation 4993557 (VCV004993557.1).

ClinVar aggregate classification (germline): Uncertain significance (1 of 4 stars; one submission).

Conditions:
RAI1-related disorder. Also called: RAI1-related condition.

gnomAD v4.1: 1 of 1,614,074 alleles (0.000062%); no homozygotes.

Submission:

PreventionGenetics, part of Exact Sciences
Classification: Uncertain significance for RAI1-related condition. Last evaluated: 2026-07-06. Review status: criteria provided, single submitter. Criteria: ACMG Guidelines, 2015. Collection method: clinical testing. Allele origin: germline.
Comment: The RAI1 c.2051C>T variant is predicted to result in the amino acid substitution p.Pro684Leu. To our knowledge, this variant has not been reported in the literature. This variant is reported in 0.00088% of alleles in individuals of European (Non-Finnish) descent in gnomAD. At this time, the clinical significance of this variant is uncertain due to the absence of conclusive functional and genetic evidence.